The following is an entry in ClinVar:

NM_000268.4(NF2):c.1340+3G>A

Gene: NF2 (NF2, moesin-ezrin-radixin like (MERLIN) tumor suppressor; plus strand). Cytogenetic location: 22q12.2.
Variant type: single nucleotide variant.
Coding change: c.1340+3G>A on transcript NM_000268.4 (MANE Select); 3 bases into the intron after coding-DNA position 1340, G replaced by A.
Molecular consequence: intron variant.
Genome position (GRCh38, 1-based): chr22:29,673,489, G>A. VCF-style: chr22-29673489-G-A. GRCh37 (hg19) VCF-style: chr22-30069478-G-A.
Other names: c.1340+3G>A (NM_016418.5, NM_181832.3, NM_001407060.1 and 2 more transcripts); c.1226+3G>A (NM_001407056.1, NM_001407053.1); c.1109+3G>A (NM_001407067.1); c.806+3G>A (NM_001407065.1); c.1205+3G>A (NM_001407059.1, NM_001407057.1); c.448-21263G>A (NM_181833.3); c.1217+3G>A (NM_001407058.1, NM_181829.3, NM_001407054.1); c.1082+3G>A (NM_001407062.1); and 2 more.
Identifiers: ClinVar variation 3405021 (VCV003405021.1).

ClinVar aggregate classification (germline): Uncertain significance (1 of 4 stars; one submission).

Conditions:
Hereditary cancer-predisposing syndrome. Also called: Neoplastic Syndromes, Hereditary; Tumor predisposition; Hereditary Cancer Syndrome; Hereditary neoplastic syndrome. Identifiers: Orphanet 140162, MedGen C0027672, MeSH D009386, MONDO:0015356.

gnomAD v4.1: 1 of 1,605,152 alleles (0.000062%); highest among the groups gnomAD compares: Non-Finnish European, 0.000085%; no homozygotes.

Submission:

Ambry Genetics
Classification: Uncertain significance for Hereditary cancer-predisposing syndrome. Last evaluated: 2024-11-09. Review status: criteria provided, single submitter. Criteria: Ambry Variant Classification Scheme 2023. Collection method: clinical testing. Allele origin: germline.
Comment: The c.1340+3G>A intronic variant results from a G to A substitution 3 nucleotides after coding exon 12 in the NF2 gene. This nucleotide position is not well conserved in available vertebrate species. In silico splice site analysis predicts that this alteration will not have any significant effect on splicing. Based on the available evidence, the clinical significance of this variant remains unclear.